The following is an entry in ClinVar:

NM_015072.5(TTLL5):c.2805A>G (p.Leu935=)

Gene: TTLL5 (tubulin tyrosine ligase like 5; plus strand). Cytogenetic location: 14q24.3.
Variant type: single nucleotide variant.
Coding change: c.2805A>G on transcript NM_015072.5 (MANE Select); coding-DNA position 2805, A replaced by G.
Protein change: p.Leu935=; no amino-acid change (leucine 935 retained).
Molecular consequence: synonymous variant.
Genome position (GRCh38, 1-based): chr14:75,783,349, A>G. VCF-style: chr14-75783349-A-G. GRCh37 (hg19) VCF-style: chr14-76249692-A-G.
Other names: c.2805A>G (NM_015072.4).
Identifiers: ClinVar variation 1110531 (VCV001110531.11), dbSNP rs146549418, ClinGen allele CA7279815.

ClinVar aggregate classification (germline): Likely benign. Review status: criteria provided, multiple submitters, no conflicts (2 of 4 stars). 3 submissions from 3 submitters: Likely benign (3). Last evaluated 2025-04-16.

Conditions:
TTLL5-related disorder. Also called: TTLL5-related condition.

Allele frequency attached by ClinVar (database versions not stated): gnomAD exomes 0.00005 and 0.00012; ExAC 0.00009; gnomAD 0.00011; TOPMed 0.00011; ESP Exome Variant Server 0.00031.
gnomAD v4.1: 200 of 1,614,018 alleles (0.012%); highest among the groups gnomAD compares: Non-Finnish European, 0.016%; no homozygotes.

Submissions (3):

Labcorp Genetics (formerly Invitae), Labcorp
Classification: Likely benign. Last evaluated: 2025-04-16. Review status: criteria provided, single submitter. Criteria: Invitae Variant Classification Sherloc (09022015). Collection method: clinical testing. Allele origin: germline.

PreventionGenetics, part of Exact Sciences
Classification: Likely benign for TTLL5-related condition. Last evaluated: 2025-03-18. Review status: criteria provided, single submitter. Criteria: ACMG Guidelines, 2015. Collection method: clinical testing. Allele origin: germline.
Comment: This variant is classified as likely benign based on ACMG/AMP sequence variant interpretation guidelines (Richards et al. 2015 PMID: 25741868, with internal and published modifications).

Blueprint Genetics
Classification: Likely benign. Last evaluated: 2024-09-19. Review status: criteria provided, single submitter. Criteria: ACMG Guidelines, 2015. Collection method: clinical testing. Allele origin: germline.